The following is an entry in ClinVar:

ClinVar aggregate classification (germline): Uncertain significance (1 of 4 stars; one submission).

Conditions:
Hereditary cancer-predisposing syndrome. Also called: Neoplastic Syndromes, Hereditary; Tumor predisposition; Hereditary neoplastic syndrome; Hereditary Cancer Syndrome. Identifiers: Orphanet 140162, MedGen C0027672, MeSH D009386, MONDO:0015356.

Submission:

Labcorp Genetics (formerly Invitae), Labcorp
Classification: Uncertain significance for Hereditary cancer-predisposing syndrome. Last evaluated: 2018-03-18. Review status: criteria provided, single submitter. Criteria: Invitae Variant Classification Sherloc (09022015). Collection method: clinical testing. Allele origin: germline.
Comment: In summary, the available evidence is currently insufficient to determine the role of this variant in disease. Therefore, it has been classified as a Variant of Uncertain Significance. Algorithms developed to predict the effect of missense changes on protein structure and function (SIFT, PolyPhen-2, Align-GVGD) all suggest that this variant is likely to be tolerated, but these predictions have not been confirmed by published functional studies and their clinical significance is uncertain. This variant has not been reported in the literature in individuals with RAD50-related disease. This variant is not present in population databases (ExAC no frequency). This sequence change replaces isoleucine with valine at codon 1067 of the RAD50 protein (p.Ile1067Val). The isoleucine residue is moderately conserved and there is a small physicochemical difference between isoleucine and valine.

NM_005732.4(RAD50):c.3199A>G (p.Ile1067Val)

Gene: RAD50 (RAD50 double strand break repair protein; plus strand). Cytogenetic location: 5q31.1.
Variant type: single nucleotide variant.
Coding change: c.3199A>G on transcript NM_005732.4 (MANE Select); coding-DNA position 3199, A replaced by G.
Protein change: p.Ile1067Val; replaces isoleucine 1067 with valine.
Molecular consequence: missense variant.
Genome position (GRCh38, 1-based): chr5:132,618,104, A>G. VCF-style: chr5-132618104-A-G. GRCh37 (hg19) VCF-style: chr5-131953796-A-G.
Other names: short protein forms I1067V.
Identifiers: ClinVar variation 568280 (VCV000568280.9), dbSNP rs1561650785, ClinGen allele CA360964304.